The following is an entry in ClinVar:

NM_206965.2(FTCD):c.418G>C (p.Ala140Pro)

Genes: FTCD (formimidoyltransferase cyclodeaminase; minus strand), FTCD-AS1 (FTCD antisense RNA 1; plus strand). Cytogenetic location: 21q22.3.
Variant type: single nucleotide variant.
Coding change: c.418G>C on transcript NM_206965.2 (MANE Select); coding-DNA position 418, G replaced by C.
Protein change: p.Ala140Pro; replaces alanine 140 with proline.
Molecular consequence: missense variant.
Genome position (GRCh38, 1-based): chr21:46,151,930, C>G on the plus strand (G>C on the coding strand, the complement: FTCD is on the minus strand). VCF-style: chr21-46151930-C-G. GRCh37 (hg19) VCF-style: chr21-47571844-C-G.
Other names: c.418G>C, p.Ala140Pro (NM_001320412.2, NM_006657.3); short protein forms A140P.
Identifiers: ClinVar variation 2992522 (VCV002992522.3), dbSNP rs2079292124, ClinGen allele CA410519505.
Genomic context (GRCh38, chr21:46,151,930, plus strand): 5'-CGACCGCCCGGGGTGGGGGCACCTTCTTAGGGAGGGCCTCGTACTCCCCGGCCCGGATGG[C>G]CGGCAGGGTCCGGCGACTGTCCATCCTGGCTGCCTCGCCGTACAGGTAAACTGCAGGAGA-3'
Protein context (NP_996848.1, residues 130-150): ARMDSRRTLP[Ala140Pro]IRAGEYEALP

ClinVar aggregate classification (germline): Uncertain significance (1 of 4 stars; one submission).

Conditions:
Glutamate formiminotransferase deficiency. Also called: Formiminoglutamic aciduria; Arakawa syndrome 1. Identifiers: Orphanet 51208, MedGen C0268609, MONDO:0009240, OMIM 229100.

Submission:

Labcorp Genetics (formerly Invitae), Labcorp
Classification: Uncertain significance for Glutamate formiminotransferase deficiency. Last evaluated: 2023-10-29. Review status: criteria provided, single submitter. Criteria: Invitae Variant Classification Sherloc (09022015). Collection method: clinical testing. Allele origin: germline.
Comment: This sequence change replaces alanine, which is neutral and non-polar, with proline, which is neutral and non-polar, at codon 140 of the FTCD protein (p.Ala140Pro). This variant is not present in population databases (gnomAD no frequency). This variant has not been reported in the literature in individuals affected with FTCD-related conditions. Advanced modeling of protein sequence and biophysical properties (such as structural, functional, and spatial information, amino acid conservation, physicochemical variation, residue mobility, and thermodynamic stability) has been performed at Invitae for this missense variant, however the output from this modeling did not meet the statistical confidence thresholds required to predict the impact of this variant on FTCD protein function. In summary, the available evidence is currently insufficient to determine the role of this variant in disease. Therefore, it has been classified as a Variant of Uncertain Significance.